The following is an entry in ClinVar:

ClinVar aggregate classification (germline): Pathogenic. Review status: criteria provided, multiple submitters, no conflicts (2 of 4 stars). 4 submissions from 4 submitters: Pathogenic (3). 1 of the submissions does not count toward it. Last evaluated 2026-03-30.

Conditions:
Hereditary pheochromocytoma and paraganglioma. Also called: Hereditary Paraganglioma-Pheochromocytoma Syndromes; Hereditary paragangliomas and pheochromocytomas; Hereditary pheochromocytoma-paraganglioma. Identifiers: Orphanet 29072, MedGen C4274332, MONDO:0017366.
Gastrointestinal stromal tumor. Also called: Gastrointestinal stromal tumor, somatic; Gastrointestinal stroma tumor. Identifiers: Orphanet 44890, MedGen C0238198, MeSH D046152, MONDO:0011719, OMIM 606764, HP:0100723.
Pheochromocytoma/paraganglioma syndrome 4. Also called: PARAGANGLIOMA, FAMILIAL MALIGNANT; PARAGANGLIOMAS, HEREDITARY EXTRAADRENAL; PHEOCHROMOCYTOMA, FAMILIAL EXTRAADRENAL; Paragangliomas 4; CAROTID BODY TUMORS AND MULTIPLE EXTRAADRENAL PHEOCHROMOCYTOMAS; SDHB-Related Hereditary Paraganglioma-Pheochromocytoma Syndrome. Identifiers: Orphanet 29072, MedGen C1861848, MONDO:0007273, OMIM 115310.
Pheochromocytoma. Also called: MAX-Related Hereditary Paraganglioma-Pheochromocytoma Syndrome. Identifiers: Orphanet 29072, MedGen C0031511, MONDO:0008233, OMIM 171300, HP:0002666.
Hereditary cancer-predisposing syndrome. Also called: Tumor predisposition; Neoplastic Syndromes, Hereditary; Hereditary Cancer Syndrome; Hereditary neoplastic syndrome. Identifiers: Orphanet 140162, MedGen C0027672, MeSH D009386, MONDO:0015356.

Submissions (4):

GeneDx
Classification: Pathogenic. Last evaluated: 2026-03-30. Review status: criteria provided, single submitter. Criteria: GeneDx Variant Classification Process June 2021. Collection method: clinical testing. Allele origin: germline.
Comment: Initiation codon variant in a gene for which loss of function is a known mechanism of disease; Not observed at significant frequency in large population cohorts (gnomAD); This variant is associated with the following publications: (PMID: 32741965, 23512077)

Labcorp Genetics (formerly Invitae), Labcorp
Classification: Pathogenic for Gastrointestinal stromal tumor; Pheochromocytoma/paraganglioma syndrome 4; Pheochromocytoma. Last evaluated: 2024-04-08. Review status: criteria provided, single submitter. Criteria: Invitae Variant Classification Sherloc (09022015). Collection method: clinical testing. Allele origin: germline.
Comment: This sequence change affects the initiator methionine of the SDHB mRNA. The next in-frame methionine is located at codon 58. This variant is not present in population databases (gnomAD no frequency). Disruption of the initiator codon has been observed in individuals with paragangliomas, pheochromocytomas and renal cell carcinomas (PMID: 23512077, 24096523, 27279923, 28374168, 32741965). ClinVar contains an entry for this variant (Variation ID: 428918). This variant disrupts a region of the SDHB protein in which other variant(s) (p.Arg46Gln) have been determined to be pathogenic (PMID: 12618761, 14500403, 15328326, 16314641, 17102082, 18362451, 23083876, 23282968). This suggests that this is a clinically significant region of the protein, and that variants that disrupt it are likely to be disease-causing. For these reasons, this variant has been classified as Pathogenic.

Ambry Genetics
Classification: Pathogenic for Hereditary cancer-predisposing syndrome. Last evaluated: 2014-03-25. Review status: criteria provided, single submitter. Criteria: Ambry Autosomal Dominant and X-Linked criteria (10/2015). Collection method: clinical testing. Allele origin: germline. Observed: 1 variant allele.
Comment: The p.M1L mutation (also known as c.1A>T) is located in exon 1 of the SDHB gene and results from an A to T substitution at nucleotide position 1. This changes the amino acid from methionine to leucine at the initiation codon. Since sequence variations that modify the initiation codon (ATG) are expected to cause a shift in the mRNA reading frame, this alteration is interpreted as a disease-causing mutation (ACMG Recommendations for Standards for Interpretation and Reporting of Sequence Variations. Revision 2007. Genet Med 2008;10:294).

Section on Medical Neuroendocrinolgy, National Institutes of Health
Classification: Pathogenic for Hereditary pheochromocytoma and paraganglioma. Review status: no assertion criteria provided. Collection method: research. Allele origin: germline. Affected: yes. Not counted in ClinVar's aggregate classification.

Literature cited by the submitters: PubMed 23512077 (cited by Labcorp Genetics (formerly Invitae), Labcorp); PubMed 24096523 (cited by Labcorp Genetics (formerly Invitae), Labcorp); PubMed 27279923 (cited by Labcorp Genetics (formerly Invitae), Labcorp); PubMed 28374168 (cited by Labcorp Genetics (formerly Invitae), Labcorp); PubMed 32741965 (cited by Labcorp Genetics (formerly Invitae), Labcorp); PubMed 12618761 (cited by Labcorp Genetics (formerly Invitae), Labcorp); PubMed 14500403 (cited by Labcorp Genetics (formerly Invitae), Labcorp); PubMed 15328326 (cited by Labcorp Genetics (formerly Invitae), Labcorp); PubMed 16314641 (cited by Labcorp Genetics (formerly Invitae), Labcorp); PubMed 17102082 (cited by Labcorp Genetics (formerly Invitae), Labcorp); PubMed 18362451 (cited by Labcorp Genetics (formerly Invitae), Labcorp); PubMed 23083876 (cited by Labcorp Genetics (formerly Invitae), Labcorp); PubMed 23282968 (cited by Labcorp Genetics (formerly Invitae), Labcorp).

NM_003000.3(SDHB):c.1A>T (p.Met1Leu)

Gene: SDHB (succinate dehydrogenase complex iron sulfur subunit B; minus strand). Cytogenetic location: 1p36.13.
Variant type: single nucleotide variant.
Coding change: c.1A>T on transcript NM_003000.3 (MANE Select); coding-DNA position 1, A replaced by T.
Protein change: p.Met1Leu; changes the start codon (methionine 1).
Molecular consequence: missense variant, initiator codon variant.
Genome position (GRCh38, 1-based): chr1:17,054,019, T>A on the plus strand (A>T on the coding strand, the complement: SDHB is on the minus strand). VCF-style: chr1-17054019-T-A. GRCh37 (hg19) VCF-style: chr1-17380514-T-A.
Other names: short protein forms M1L.
Identifiers: ClinVar variation 428918 (VCV000428918.10), dbSNP rs1131691049, ClinGen allele CA338230894.